The following is an entry in ClinVar:

ClinVar aggregate classification (germline): Uncertain significance (1 of 4 stars; one submission).

Submission:

GeneDx
Classification: Uncertain significance. Last evaluated: 2023-05-18. Review status: criteria provided, single submitter. Criteria: GeneDx Variant Classification Process June 2021. Collection method: clinical testing. Allele origin: germline. Affected: yes.
Comment: Not observed at significant frequency in large population cohorts (gnomAD); In silico analysis supports that this missense variant has a deleterious effect on protein structure/function; Has not been previously published as pathogenic or benign to our knowledge

NM_005045.4(RELN):c.2231G>T (p.Gly744Val)

Gene: RELN (reelin; minus strand). Cytogenetic location: 7q22.1.
Variant type: single nucleotide variant.
Coding change: c.2231G>T on transcript NM_005045.4 (MANE Select); coding-DNA position 2231, G replaced by T.
Protein change: p.Gly744Val; replaces glycine 744 with valine.
Molecular consequence: missense variant.
Genome position (GRCh38, 1-based): chr7:103,636,307, C>A on the plus strand (G>T on the coding strand, the complement: RELN is on the minus strand). VCF-style: chr7-103636307-C-A. GRCh37 (hg19) VCF-style: chr7-103276754-C-A.
Other names: c.2231G>T, p.Gly744Val (NM_173054.3); short protein forms G744V.
Identifiers: ClinVar variation 3343755 (VCV003343755.1).
Genomic context (GRCh38, chr7:103,636,307, plus strand): 5'-CTGTCAAGGAAAGATGTAATTAGCTGACGCCGCCCATCTTTGTTGAAAACCAGGGCCTTA[C>A]CACTGGCCAAGACACCACAACCAAAGCTGACTTCAGCACCACGGATAGAGTAAAAGTTAT-3'
Protein context (NP_005036.2, residues 734-754): VSFGCGVLAS[Gly744Val]KALVFNKDGR